The following is an entry in ClinVar:

ClinVar aggregate classification (germline): Likely pathogenic. Review status: criteria provided, multiple submitters, no conflicts (2 of 4 stars). 2 submissions from 2 submitters: Likely pathogenic (2). Last evaluated 2022-03-02.

Conditions:
Muscular dystrophy-dystroglycanopathy (congenital with brain and eye anomalies), type A3. Also called: Muscular dystrophy-dystroglycanopathy (congenital with brain and eye anomalies), type A, 3; Congenital muscular dystrophy-dystroglycanopathy with brain and eye anomalies, type A3; WALKER-WARBURG SYNDROME OR MUSCLE-EYE-BRAIN DISEASE, POMGNT1-RELATED. Identifiers: MedGen C3151519, MONDO:0009667, OMIM 253280.

Submissions (2):

Myriad Genetics, Inc.
Classification: Likely pathogenic for Muscular dystrophy-dystroglycanopathy (congenital with brain and eye anomalies), type A3. Last evaluated: 2022-03-02. Review status: criteria provided, single submitter. Criteria: Myriad Women's Health Autosomal Recessive and X-Linked Classification Criteria (2021). Collection method: clinical testing. Allele origin: unknown.
Comment: NM_017739.3(POMGNT1):c.702G>A(W234*) is expected to be pathogenic in the context of POMGNT-related disorders. This variant is predicted to lead to an abnormal or absent protein product due to the creation of a premature termination codon in POMGNT1, a gene where loss-of-function variants are known to be pathogenic. Please note: this variant was assessed in the context of healthy population screening.

Baylor Genetics
Classification: Likely pathogenic for Muscular dystrophy-dystroglycanopathy (congenital with brain and eye anomalies), type A3. Last evaluated: 2021-12-22. Review status: criteria provided, single submitter. Criteria: ACMG Guidelines, 2015. Collection method: clinical testing. Allele origin: unknown.

NM_017739.4(POMGNT1):c.702G>A (p.Trp234Ter)

Genes: POMGNT1 (protein O-linked mannose N-acetylglucosaminyltransferase 1 (beta 1,2-); minus strand), TSPAN1 (tetraspanin 1; plus strand). Cytogenetic location: 1p34.1.
Variant type: single nucleotide variant.
Coding change: c.702G>A on transcript NM_017739.4 (MANE Select); coding-DNA position 702, G replaced by A.
Protein change: p.Trp234Ter; replaces tryptophan 234 with a stop codon.
Molecular consequence: nonsense.
Genome position (GRCh38, 1-based): chr1:46,194,602, C>T on the plus strand (G>A on the coding strand, the complement: POMGNT1 is on the minus strand). VCF-style: chr1-46194602-C-T. GRCh37 (hg19) VCF-style: chr1-46660274-C-T.
Other names: c.702G>A, p.Trp234Ter (NM_001243766.2, NM_001410783.1); c.636G>A, p.Trp212Ter (NM_001290129.3); c.273G>A, p.Trp91Ter (NM_001290130.2); short protein forms W212*, W234*, W91*.
Identifiers: ClinVar variation 1724900 (VCV001724900.3), dbSNP rs2525428998, ClinGen allele CA340184136.